The following is an entry in ClinVar:

ClinVar aggregate classification (germline): Likely benign (1 of 4 stars; one submission).

Allele frequency attached by ClinVar (database versions not stated): TOPMed 0.00001.

Submission:

GeneDx
Classification: Likely benign. Last evaluated: 2018-03-22. Review status: criteria provided, single submitter. Criteria: GeneDx Variant Classification (06012015). Collection method: clinical testing. Allele origin: germline. Affected: yes.
Comment: This variant is considered likely benign or benign based on one or more of the following criteria: it is a conservative change, it occurs at a poorly conserved position in the protein, it is predicted to be benign by multiple in silico algorithms, and/or has population frequency not consistent with disease.

NM_001267550.2(TTN):c.76531G>A (p.Asp25511Asn)

Genes: TTN (titin; minus strand), TTN-AS1 (TTN antisense RNA 1; plus strand). Cytogenetic location: 2q31.2.
Variant type: single nucleotide variant.
Coding change: c.76531G>A on transcript NM_001267550.2 (MANE Select); coding-DNA position 76531, G replaced by A.
Protein change: p.Asp25511Asn; replaces aspartic acid 25511 with asparagine.
Molecular consequence: missense variant.
Genome position (GRCh38, 1-based): chr2:178,569,601, C>T on the plus strand (G>A on the coding strand, the complement: TTN is on the minus strand). VCF-style: chr2-178569601-C-T. GRCh37 (hg19) VCF-style: chr2-179434328-C-T.
Other names: c.71608G>A, p.Asp23870Asn (NM_001256850.1); c.49336G>A, p.Asp16446Asn (NM_003319.4); c.68827G>A, p.Asp22943Asn (NM_133378.4); c.49711G>A, p.Asp16571Asn (NM_133432.3); c.49912G>A, p.Asp16638Asn (NM_133437.4); short protein forms D16571N, D23870N, D16446N, D16638N, D22943N, D25511N.
Identifiers: ClinVar variation 681043 (VCV000681043.1), dbSNP rs1448308988, ClinGen allele CA349614974.